The following is an entry in ClinVar:

ClinVar aggregate classification (germline): Uncertain significance (1 of 4 stars; one submission).

Conditions:
DOCK2 deficiency. Also called: Immunodeficiency 40. Identifiers: Orphanet 447737, MedGen C4225328, MONDO:0014637, OMIM 616433.

Submission:

Labcorp Genetics (formerly Invitae), Labcorp
Classification: Uncertain significance for DOCK2 deficiency. Last evaluated: 2022-10-28. Review status: criteria provided, single submitter. Criteria: Invitae Variant Classification Sherloc (09022015). Collection method: clinical testing. Allele origin: germline.
Comment: This sequence change replaces asparagine, which is neutral and polar, with histidine, which is basic and polar, at codon 1236 of the DOCK2 protein (p.Asn1236His). This variant is not present in population databases (gnomAD no frequency). This variant has not been reported in the literature in individuals affected with DOCK2-related conditions. Algorithms developed to predict the effect of missense changes on protein structure and function are either unavailable or do not agree on the potential impact of this missense change (SIFT: "Deleterious"; PolyPhen-2: "Probably Damaging"; Align-GVGD: "Class C0"). In summary, the available evidence is currently insufficient to determine the role of this variant in disease. Therefore, it has been classified as a Variant of Uncertain Significance.

NM_004946.3(DOCK2):c.3706A>C (p.Asn1236His)

Gene: DOCK2 (dedicator of cytokinesis 2; plus strand). Cytogenetic location: 5q35.1.
Variant type: single nucleotide variant.
Coding change: c.3706A>C on transcript NM_004946.3 (MANE Select); coding-DNA position 3706, A replaced by C.
Protein change: p.Asn1236His; replaces asparagine 1236 with histidine.
Molecular consequence: missense variant. On other transcripts: non-coding transcript variant (1).
Genome position (GRCh38, 1-based): chr5:170,041,095, A>C. VCF-style: chr5-170041095-A-C. GRCh37 (hg19) VCF-style: chr5-169468099-A-C.
Other names: short protein forms N1236H.
Identifiers: ClinVar variation 2800525 (VCV002800525.3), dbSNP rs2532452531, ClinGen allele CA362108387.
Genomic context (GRCh38, chr5:170,041,095, plus strand): 5'-GCATATTTTCCCTCAAACAGGTACCTGTACAAACTCCGCGATCTTCACCTGGACTGTGAC[A>C]ATTACACAGAGGCTGCCTACACGCTCCTTCTCCACACCTGGCTTCTCAAGGTACAGTCAC-3'
Protein context (NP_004937.1, residues 1226-1246): KLRDLHLDCD[Asn1236His]YTEAAYTLLL